The following is an entry in ClinVar:

ClinVar aggregate classification (germline): Likely benign. Review status: criteria provided, multiple submitters, no conflicts (2 of 4 stars). 2 submissions from 2 submitters: Likely benign (2). Last evaluated 2025-08-20.

Conditions:
Pheochromocytoma/paraganglioma syndrome 4. Also called: PARAGANGLIOMA, FAMILIAL MALIGNANT; PARAGANGLIOMAS, HEREDITARY EXTRAADRENAL; PHEOCHROMOCYTOMA, FAMILIAL EXTRAADRENAL; Paragangliomas 4; CAROTID BODY TUMORS AND MULTIPLE EXTRAADRENAL PHEOCHROMOCYTOMAS; SDHB-Related Hereditary Paraganglioma-Pheochromocytoma Syndrome (Paragangliomas 4). Identifiers: Orphanet 29072, MedGen C1861848, MONDO:0007273, OMIM 115310.
Gastrointestinal stromal tumor. Also called: Gastrointestinal stroma tumor; Gastrointestinal stromal tumor, somatic. Identifiers: Orphanet 44890, MedGen C0238198, MeSH D046152, MONDO:0011719, OMIM 606764, HP:0100723.
Pheochromocytoma. Also called: MAX-Related Hereditary Paraganglioma-Pheochromocytoma Syndrome. Identifiers: Orphanet 29072, MedGen C0031511, MONDO:0008233, OMIM 171300, HP:0002666.

Allele frequency attached by ClinVar (database versions not stated): ESP Exome Variant Server 0.00008.

Submissions (2):

Labcorp Genetics (formerly Invitae), Labcorp
Classification: Likely benign for Gastrointestinal stromal tumor; Pheochromocytoma/paraganglioma syndrome 4; Pheochromocytoma. Last evaluated: 2025-08-20. Review status: criteria provided, single submitter. Criteria: Invitae Variant Classification Sherloc (09022015). Collection method: clinical testing. Allele origin: germline.

Myriad Genetics, Inc.
Classification: Likely benign for Pheochromocytoma/paraganglioma syndrome 4. Last evaluated: 2025-03-12. Review status: criteria provided, single submitter. Criteria: Myriad Autosomal Dominant, Autosomal Recessive and X-Linked Classification Criteria (2023). Collection method: clinical testing. Allele origin: unknown.
Comment: This variant is considered likely benign. This variant is intronic and is not expected to impact mRNA splicing.

NM_003000.3(SDHB):c.73-10A>C

Gene: SDHB (succinate dehydrogenase complex iron sulfur subunit B; minus strand). Cytogenetic location: 1p36.13.
Variant type: single nucleotide variant.
Coding change: c.73-10A>C on transcript NM_003000.3 (MANE Select); 10 bases into the intron before coding-DNA position 73, A replaced by C.
Molecular consequence: intron variant.
Genome position (GRCh38, 1-based): chr1:17,044,898, T>G on the plus strand (A>C on the coding strand, the complement: SDHB is on the minus strand). VCF-style: chr1-17044898-T-G. GRCh37 (hg19) VCF-style: chr1-17371393-T-G.
Identifiers: ClinVar variation 417300 (VCV000417300.8), dbSNP rs376494419, ClinGen allele CA16609952.